The following is an entry in ClinVar:

ClinVar aggregate classification (germline): Uncertain significance (1 of 4 stars; one submission).

Allele frequency attached by ClinVar (database versions not stated): gnomAD exomes 0.00001 and 0.00002; ExAC 0.00002; gnomAD 0.00007 and 0.00008; TOPMed 0.00008; ESP Exome Variant Server 0.00023.

Submission:

Labcorp Genetics (formerly Invitae), Labcorp
Classification: Uncertain significance. Last evaluated: 2023-08-17. Review status: criteria provided, single submitter. Criteria: Invitae Variant Classification Sherloc (09022015). Collection method: clinical testing. Allele origin: germline.
Comment: ClinVar contains an entry for this variant (Variation ID: 961644). In summary, the available evidence is currently insufficient to determine the role of this variant in disease. Therefore, it has been classified as a Variant of Uncertain Significance. An algorithm developed to predict the effect of missense changes on protein structure and function (PolyPhen-2) suggests that this variant is likely to be disruptive. This missense change has been observed in individual(s) with retinitis pigmentosa (Invitae). This variant is present in population databases (rs147591789, gnomAD 0.02%). This sequence change replaces methionine, which is neutral and non-polar, with threonine, which is neutral and polar, at codon 247 of the CLCC1 protein (p.Met247Thr).

NM_001377458.1(CLCC1):c.740T>C (p.Met247Thr)

Gene: CLCC1 (chloride channel CLIC like 1; minus strand). Cytogenetic location: 1p13.3.
Variant type: single nucleotide variant.
Coding change: c.740T>C on transcript NM_001377458.1 (MANE Select); coding-DNA position 740, T replaced by C.
Protein change: p.Met247Thr; replaces methionine 247 with threonine.
Molecular consequence: missense variant. On other transcripts: non-coding transcript variant (1), intron variant (1).
Genome position (GRCh38, 1-based): chr1:108,941,461, A>G on the plus strand (T>C on the coding strand, the complement: CLCC1 is on the minus strand). VCF-style: chr1-108941461-A-G. GRCh37 (hg19) VCF-style: chr1-109484083-A-G.
Other names: c.740T>C, p.Met247Thr (NM_001048210.3, NM_001377459.1, NM_001377460.1 and 8 more transcripts); c.377T>C, p.Met126Thr (NM_001278202.2); c.638T>C, p.Met213Thr (NM_001377469.1); c.449T>C, p.Met150Thr (NM_001377470.1); c.590T>C, p.Met197Thr (NM_015127.5); c.340-1679T>C (NM_001278203.1); short protein forms M126T, M213T, M150T, M197T, M247T.
Identifiers: ClinVar variation 961644 (VCV000961644.6), dbSNP rs147591789, ClinGen allele CA983522.